The following is an entry in ClinVar:

NM_001172303.3(MASTL):c.2267-3138G>A

Gene: MASTL (microtubule associated serine/threonine kinase like; plus strand). Cytogenetic location: 10p12.1.
Variant type: single nucleotide variant.
Coding change: c.2267-3138G>A on transcript NM_001172303.3 (MANE Select); 3138 bases into the intron before coding-DNA position 2267, G replaced by A.
Molecular consequence: intron variant. On other transcripts: missense variant (3).
Genome position (GRCh38, 1-based): chr10:27,177,815, G>A. VCF-style: chr10-27177815-G-A. GRCh37 (hg19) VCF-style: chr10-27466744-G-A.
Other names: c.2278G>A, p.Gly760Ser (NM_001320756.2); c.2281G>A, p.Gly761Ser (NM_001320757.2); c.1798G>A, p.Gly600Ser (NM_001372029.1); c.1784-3138G>A (NM_001372030.1); c.2264-3138G>A (NM_032844.5); c.2264-3665G>A (NM_001172304.3); short protein forms G600S, G760S, G761S.
Identifiers: ClinVar variation 4987093 (VCV004987093.1).

ClinVar aggregate classification (germline): Uncertain significance (1 of 4 stars; one submission).

Conditions:
MASTL-related disorder. Also called: MASTL-related condition.

gnomAD v4.1: 1 of 970,924 alleles (0.0001%); no homozygotes.

Submission:

PreventionGenetics, part of Exact Sciences
Classification: Uncertain significance for MASTL-related condition. Last evaluated: 2025-11-21. Review status: criteria provided, single submitter. Criteria: ACMG Guidelines, 2015. Collection method: clinical testing. Allele origin: germline.
Comment: The MASTL c.2281G>A variant is predicted to result in the amino acid substitution p.Gly761Ser. To our knowledge, this variant has not been reported in the literature or in a large population database (gnomAD), indicating this variant is rare. At this time, the clinical significance of this variant is uncertain due to the absence of conclusive functional and genetic evidence.